The following is an entry in ClinVar:

ClinVar aggregate classification (germline): Uncertain significance (1 of 4 stars; one submission).

Conditions:
C3 glomerulonephritis. Also called: C3 GLOMERULOPATHY 3; Nephropathy due to CFHR5 Deficiency. Identifiers: Orphanet 329931, MedGen C4055342, MONDO:0013892, OMIM 614809.

Submission:

Genomenon, Inc
Classification: Uncertain significance for C3 glomerulonephritis. Last evaluated: 2025-09-30. Review status: criteria provided, single submitter. Criteria: Genomenon Sequence Variant Interpretation Standards. Collection method: curation. Allele origin: germline. Affected: yes.
Comment: C3 p.Ala1103Pro (c.3307G>C) is a missense variant that changes the amino acid at residue 1103 from Alanine to Proline. This variant has been observed in at least one proband affected with C3 glomerulonephritis (PMID:29566171). It is absent or not present at a significant frequency in gnomAD. In conclusion, we classify C3 p.Ala1103Pro (c.3307G>C) as a variant of unknown significance.

Literature cited by the submitters: PubMed 29566171.

NM_000064.4(C3):c.3307G>C (p.Ala1103Pro)

Gene: C3 (complement C3; minus strand). Cytogenetic location: 19p13.3.
Variant type: single nucleotide variant.
Coding change: c.3307G>C on transcript NM_000064.4 (MANE Select); coding-DNA position 3307, G replaced by C.
Protein change: p.Ala1103Pro; replaces alanine 1103 with proline.
Molecular consequence: missense variant.
Genome position (GRCh38, 1-based): chr19:6,693,007, C>G on the plus strand (G>C on the coding strand, the complement: C3 is on the minus strand). VCF-style: chr19-6693007-C-G. GRCh37 (hg19) VCF-style: chr19-6693018-C-G.
Other names: short protein forms A1103P.
Identifiers: ClinVar variation 4280196 (VCV004280196.1).